The following is an entry in ClinVar:

ClinVar aggregate classification (germline): Uncertain significance. Review status: criteria provided, multiple submitters, no conflicts (2 of 4 stars). 5 submissions from 5 submitters: Uncertain significance (5). Last evaluated 2025-11-09.

Conditions:
Hereditary cancer-predisposing syndrome. Also called: Neoplastic Syndromes, Hereditary; Hereditary Cancer Syndrome; Tumor predisposition; Hereditary neoplastic syndrome. Identifiers: Orphanet 140162, MedGen C0027672, MeSH D009386, MONDO:0015356.
CTNNA1-related disorder. Also called: CTNNA1-related condition.
Patterned macular dystrophy 2. Identifiers: Orphanet 99001, MedGen C1837029, MONDO:0012162, OMIM 608970.

Allele frequency attached by ClinVar (database versions not stated): TOPMed 0.00002.
gnomAD v4.1: 8 of 1,613,166 alleles (0.0005%); highest among the groups gnomAD compares: East Asian, 0.0022%; no homozygotes.

Submissions (5):

Labcorp Genetics (formerly Invitae), Labcorp
Classification: Uncertain significance. Last evaluated: 2025-11-09. Review status: criteria provided, single submitter. Criteria: Invitae Variant Classification Sherloc (09022015). Collection method: clinical testing. Allele origin: germline.
Comment: This sequence change replaces glycine, which is neutral and non-polar, with valine, which is neutral and non-polar, at codon 160 of the CTNNA1 protein (p.Gly160Val). This variant is not present in population databases (gnomAD no frequency). This variant has not been reported in the literature in individuals affected with CTNNA1-related conditions. ClinVar contains an entry for this variant (Variation ID: 845538). Invitae Evidence Modeling of protein sequence and biophysical properties (such as structural, functional, and spatial information, amino acid conservation, physicochemical variation, residue mobility, and thermodynamic stability) indicates that this missense variant is not expected to disrupt CTNNA1 protein function with a negative predictive value of 80%. In summary, the available evidence is currently insufficient to determine the role of this variant in disease. Therefore, it has been classified as a Variant of Uncertain Significance.

Ambry Genetics
Classification: Uncertain significance for Hereditary cancer-predisposing syndrome. Last evaluated: 2025-10-05. Review status: criteria provided, single submitter. Criteria: Ambry Variant Classification Scheme 2023. Collection method: clinical testing. Allele origin: germline.
Comment: The p.G160V variant (also known as c.479G>T), located in coding exon 4 of the CTNNA1 gene, results from a G to T substitution at nucleotide position 479. The glycine at codon 160 is replaced by valine, an amino acid with dissimilar properties. This amino acid position is well conserved in available vertebrate species. In addition, this alteration is predicted to be tolerated by in silico analysis. Based on the available evidence, the clinical significance of this variant remains unclear.

PreventionGenetics, part of Exact Sciences
Classification: Uncertain significance for CTNNA1-related condition. Last evaluated: 2025-09-16. Review status: criteria provided, single submitter. Criteria: ACMG Guidelines, 2015. Collection method: clinical testing. Allele origin: germline.
Comment: The CTNNA1 c.479G>T variant is predicted to result in the amino acid substitution p.Gly160Val. This variant was reported in an individual with an unspecified cancer history undergoing hereditary cancer testing (Clark et al. 2020. PubMed ID: 32051609). This variant has not been reported in a large population database (gnomAD), indicating this variant is rare. This variant is interpreted as having uncertain clinical significance in ClinVar (Variation ID: 845538). At this time, the clinical significance of this variant is uncertain due to the absence of conclusive functional and genetic evidence.

GeneDx
Classification: Uncertain significance. Last evaluated: 2024-06-13. Review status: criteria provided, single submitter. Criteria: GeneDx Variant Classification Process June 2021. Collection method: clinical testing. Allele origin: germline. Affected: yes.
Comment: Observed in an individual with unspecified cancer history referred for hereditary cancer multi-gene panel testing (PMID: 32051609); Not observed at significant frequency in large population cohorts (gnomAD); In silico analysis indicates that this missense variant does not alter protein structure/function; This variant is associated with the following publications: (PMID: 32051609)

Baylor Genetics
Classification: Uncertain significance for Patterned macular dystrophy 2. Last evaluated: 2024-01-27. Review status: criteria provided, single submitter. Criteria: ACMG Guidelines, 2015. Collection method: clinical testing. Allele origin: unknown.

NM_001903.5(CTNNA1):c.479G>T (p.Gly160Val)

Gene: CTNNA1 (catenin alpha 1; plus strand). Cytogenetic location: 5q31.2.
Variant type: single nucleotide variant.
Coding change: c.479G>T on transcript NM_001903.5 (MANE Select); coding-DNA position 479, G replaced by T.
Protein change: p.Gly160Val; replaces glycine 160 with valine.
Molecular consequence: missense variant.
Genome position (GRCh38, 1-based): chr5:138,812,193, G>T. VCF-style: chr5-138812193-G-T. GRCh37 (hg19) VCF-style: chr5-138147882-G-T.
Other names: c.479G>T, p.Gly160Val (NM_001290307.3, NM_001323982.2, NM_001323983.1 and 3 more transcripts); c.170G>T, p.Gly57Val (NM_001290309.3); c.110G>T, p.Gly37Val (NM_001290310.3); c.479G>T (NM_001903.2, NM_001903.4); short protein forms G37V, G160V, G57V.
Identifiers: ClinVar variation 845538 (VCV000845538.14), dbSNP rs1415757253, ClinGen allele CA361124902.